The following is an entry in ClinVar:

NM_133642.5(LARGE1):c.184_187del (p.Glu63fs)

Gene: LARGE1 (LARGE xylosyl- and glucuronyltransferase 1; minus strand). Cytogenetic location: 22q12.3.
Variant type: Deletion.
Coding change: c.184_187del on transcript NM_133642.5 (MANE Select); coding-DNA positions 184 to 187, 4 bases deleted (CGCG; older notation c.184_187delCGCG).
Protein change: p.Glu63fs; shifts the reading frame from glutamic acid 63.
Molecular consequence: frameshift variant.
Genome position (GRCh38, 1-based): chr22:33,650,588-33,650,591, CGCG deleted on the plus strand (CGCG on the coding strand, the reverse complement: LARGE1 is on the minus strand); deleting any 4 consecutive bases within chr22:33,650,588-33,650,592 gives the same sequence; the c. name uses the placement nearest the transcript's 3' end. VCF-style (leftmost placement, unchanged base first): chr22-33650587-TCGCG-T. GRCh37 (hg19) VCF-style: chr22-34046573-TCGCG-T.
Other names: c.184_187del, p.Glu63fs (NM_001362949.2, NM_001362951.2, NM_001362953.2 and 7 more transcripts); short protein forms E63fs.
Identifiers: ClinVar variation 2739916 (VCV002739916.3), dbSNP rs2080768582, ClinGen allele CA1025259169.

ClinVar aggregate classification (germline): Pathogenic (1 of 4 stars; one submission).

Conditions:
Muscular dystrophy-dystroglycanopathy type B6 (MDDGB6). Also called: MUSCULAR DYSTROPHY-DYSTROGLYCANOPATHY (CONGENITAL WITH IMPAIRED INTELLECTUAL DEVELOPMENT), TYPE B, 6; MUSCULAR DYSTROPHY, CONGENITAL, LARGE-RELATED; MUSCULAR DYSTROPHY, CONGENITAL, TYPE 1D. Identifiers: MedGen C1837229, MONDO:0012138, OMIM 608840.

Submission:

Labcorp Genetics (formerly Invitae), Labcorp
Classification: Pathogenic for Muscular dystrophy-dystroglycanopathy type B6. Last evaluated: 2023-10-28. Review status: criteria provided, single submitter. Criteria: Invitae Variant Classification Sherloc (09022015). Collection method: clinical testing. Allele origin: germline.
Comment: This sequence change creates a premature translational stop signal (p.Glu63Alafs*159) in the LARGE1 gene. It is expected to result in an absent or disrupted protein product. Loss-of-function variants in LARGE1 are known to be pathogenic (PMID: 12966029, 17878207). This variant is not present in population databases (gnomAD no frequency). This variant has not been reported in the literature in individuals affected with LARGE1-related conditions. For these reasons, this variant has been classified as Pathogenic.

Literature cited by the submitters: PubMed 12966029; PubMed 17878207.